The following is an entry in ClinVar:

NM_139027.6(ADAMTS13):c.135C>T (p.Ala45=)

Gene: ADAMTS13 (ADAM metallopeptidase with thrombospondin type 1 motif 13; plus strand). Cytogenetic location: 9q34.2.
Variant type: single nucleotide variant.
Coding change: c.135C>T on transcript NM_139027.6 (MANE Select); coding-DNA position 135, C replaced by T.
Protein change: p.Ala45=; no amino-acid change (alanine 45 retained).
Molecular consequence: synonymous variant. On other transcripts: non-coding transcript variant (1).
Genome position (GRCh38, 1-based): chr9:133,423,130, C>T. VCF-style: chr9-133423130-C-T. GRCh37 (hg19) VCF-style: chr9-136288250-C-T.
Other names: c.135C>T, p.Ala45= (NM_139025.5, NM_139026.6).
Identifiers: ClinVar variation 2082561 (VCV002082561.7), dbSNP rs146394542, ClinGen allele CA200879422.

ClinVar aggregate classification (germline): Likely benign. Review status: criteria provided, multiple submitters, no conflicts (2 of 4 stars). 3 submissions from 3 submitters: Likely benign (2). 1 of the submissions does not count toward it. Last evaluated 2025-12-23.

Conditions:
ADAMTS13-related disorder. Also called: ADAMTS13-related condition.

Allele frequency attached by ClinVar (database versions not stated): ESP Exome Variant Server 0.00008.
gnomAD v4.1: 39 of 1,613,742 alleles (0.0024%); highest among the groups gnomAD compares: Admixed American, 0.037%; no homozygotes.

Submissions (3):

Labcorp Genetics (formerly Invitae), Labcorp
Classification: Likely benign. Last evaluated: 2025-12-23. Review status: criteria provided, single submitter. Criteria: Invitae Variant Classification Sherloc (09022015). Collection method: clinical testing. Allele origin: germline.

Blueprint Genetics
Classification: Likely benign. Last evaluated: 2024-11-01. Review status: criteria provided, single submitter. Criteria: ACMG Guidelines, 2015. Collection method: clinical testing. Allele origin: germline.

PreventionGenetics, part of Exact Sciences
Classification: Likely benign for ADAMTS13-related condition. Last evaluated: 2020-05-11. Review status: no assertion criteria provided. Collection method: clinical testing. Allele origin: germline. Not counted in ClinVar's aggregate classification.
Comment: This variant is classified as likely benign based on ACMG/AMP sequence variant interpretation guidelines (Richards et al. 2015 PMID: 25741868, with internal and published modifications).